The following is an entry in ClinVar:

NM_032383.5(HPS3):c.1614G>C (p.Gln538His)

Gene: HPS3 (HPS3 biogenesis of lysosomal organelles complex 2 subunit 1; plus strand). Cytogenetic location: 3q24.
Variant type: single nucleotide variant.
Coding change: c.1614G>C on transcript NM_032383.5 (MANE Select); coding-DNA position 1614, G replaced by C.
Protein change: p.Gln538His; replaces glutamine 538 with histidine.
Molecular consequence: missense variant.
Genome position (GRCh38, 1-based): chr3:149,157,454, G>C. VCF-style: chr3-149157454-G-C. GRCh37 (hg19) VCF-style: chr3-148875241-G-C.
Other names: c.1119G>C, p.Gln373His (NM_001308258.2); short protein forms Q373H, Q538H.
Identifiers: ClinVar variation 2416924 (VCV002416924.5), dbSNP rs1723525077, ClinGen allele CA354921803.

ClinVar aggregate classification (germline): Uncertain significance (1 of 4 stars; one submission).

Allele frequency attached by ClinVar (database versions not stated): TOPMed below 0.00001.
gnomAD v4.1: 6 of 1,613,932 alleles (0.00037%); highest among the groups gnomAD compares: Non-Finnish European, 0.00051%; no homozygotes.

Submission:

Labcorp Genetics (formerly Invitae), Labcorp
Classification: Uncertain significance. Last evaluated: 2022-05-11. Review status: criteria provided, single submitter. Criteria: Invitae Variant Classification Sherloc (09022015). Collection method: clinical testing. Allele origin: germline.
Comment: In summary, the available evidence is currently insufficient to determine the role of this variant in disease. Therefore, it has been classified as a Variant of Uncertain Significance. Algorithms developed to predict the effect of missense changes on protein structure and function are either unavailable or do not agree on the potential impact of this missense change (SIFT: "Tolerated"; PolyPhen-2: "Probably Damaging"; Align-GVGD: "Class C0"). This variant has not been reported in the literature in individuals affected with HPS3-related conditions. This variant is not present in population databases (gnomAD no frequency). This sequence change replaces glutamine, which is neutral and polar, with histidine, which is basic and polar, at codon 538 of the HPS3 protein (p.Gln538His).